The following is an entry in ClinVar:

NM_001710.6(CFB):c.1697A>C (p.Glu566Ala)

Gene: CFB (complement factor B; plus strand). Cytogenetic location: 6p21.33.
Variant type: single nucleotide variant.
Coding change: c.1697A>C on transcript NM_001710.6 (MANE Select); coding-DNA position 1697, A replaced by C.
Protein change: p.Glu566Ala; replaces glutamic acid 566 with alanine.
Molecular consequence: missense variant.
Genome position (GRCh38, 1-based): chr6:31,950,691, A>C. VCF-style: chr6-31950691-A-C. GRCh37 (hg19) VCF-style: chr6-31918468-A-C.
Other names: p.Glu566Ala; short protein forms E566A.
Identifiers: ClinVar variation 225314 (VCV000225314.47), dbSNP rs45484591, ClinGen allele CA3728434.

ClinVar aggregate classification (germline): Benign/Likely benign. Review status: criteria provided, multiple submitters, no conflicts (2 of 4 stars). 13 submissions from 12 submitters: Benign (6); Likely benign (6). 1 of the submissions does not count toward it. Last evaluated 2026-05-01.

Conditions:
Kidney disorder. Also called: Kidney Diseases; Kidney disease; Nephropathy; renal disorder; renal disease. Identifiers: MedGen C0022658, MONDO:0005240, HP:0000112.
CFB-related disorder. Also called: CFB-related disorders; CFB-related condition.
Complement factor b deficiency. Identifiers: MedGen C3809950, MONDO:0014255, OMIM 615561.
Atypical hemolytic-uremic syndrome. Identifiers: Orphanet 2134, MedGen C2931788, MONDO:0016244.
Complement component 2 deficiency (C2D). Also called: C2 deficiency. Identifiers: MedGen C0398756, MONDO:0009006, OMIM 217000.
Atypical hemolytic-uremic syndrome with B factor anomaly. Also called: HEMOLYTIC UREMIC SYNDROME, ATYPICAL, SUSCEPTIBILITY TO, 4; AHUS, SUSCEPTIBILITY TO, 4. Identifiers: Orphanet 2134, MedGen C2752038, MONDO:0013042, OMIM 612924.
Macular degeneration. Also called: Degenerative disorder of macula. Identifiers: MedGen C0024437, MONDO:0003004, HP:0000608.

Allele frequency attached by ClinVar (database versions not stated): ESP Exome Variant Server 0.00735; gnomAD 0.00913 and 0.00953; gnomAD exomes 0.01009 and 0.01109; 1000 Genomes Project 0.01018; TOPMed 0.01053; 1000 Genomes Project 30x 0.01093; ExAC 0.01107.
gnomAD v4.1: 16,435 of 1,613,070 alleles (1%); highest among the groups gnomAD compares: Middle Eastern, 9.9%; 225 homozygotes.

Submissions (13):

CeGaT Center for Human Genetics Tuebingen
Classification: Benign. Last evaluated: 2026-05-01. Review status: criteria provided, single submitter. Criteria: CeGaT Center For Human Genetics Tuebingen Variant Classification Criteria Version 2. Collection method: clinical testing. Allele origin: germline. Affected: yes. Observed: 11 variant alleles.
Comment: CFB: BP4, BS1, BS2

Women's Health and Genetics/Laboratory Corporation of America, LabCorp
Classification: Likely benign. Last evaluated: 2026-04-15. Review status: criteria provided, single submitter. Criteria: LabCorp Variant Classification Summary - May 2015. Collection method: clinical testing. Allele origin: germline.

Labcorp Genetics (formerly Invitae), Labcorp
Classification: Benign. Last evaluated: 2026-02-04. Review status: criteria provided, single submitter. Criteria: Invitae Variant Classification Sherloc (09022015). Collection method: clinical testing. Allele origin: germline.

Genomenon, Inc
Classification: Benign for Atypical hemolytic-uremic syndrome. Last evaluated: 2025-09-26. Review status: criteria provided, single submitter. Criteria: Genomenon Sequence Variant Interpretation Standards - Updated. Collection method: curation. Allele origin: germline. Affected: no.
Comment: CFB p.Glu566Ala (c.1697A>C) is a missense variant that changes the amino acid at residue 566 from Glutamic acid to Alanine. This variant is present at high allele frequency in population databases. In conclusion, we classify CFB p.Glu566Ala (c.1697A>C) as a benign variant.

Blueprint Genetics
Classification: Likely benign. Last evaluated: 2024-11-26. Review status: criteria provided, single submitter. Criteria: ACMG Guidelines, 2015. Collection method: clinical testing. Allele origin: germline.

Mayo Clinic Laboratories, Mayo Clinic
Classification: Benign. Last evaluated: 2022-09-22. Review status: criteria provided, single submitter. Criteria: ACMG Guidelines, 2015. Collection method: clinical testing. Allele origin: germline. Observed: 83 variant alleles.
Comment: BS1, BS3, BP4

Mendelics
Classification: Likely benign for Complement component 2 deficiency. Last evaluated: 2019-05-28. Review status: criteria provided, single submitter. Criteria: Mendelics Assertion Criteria 2017. Collection method: clinical testing. Allele origin: unknown.

Illumina Laboratory Services, Illumina
Classification: Benign for Macular degeneration. Last evaluated: 2018-01-12. Review status: criteria provided, single submitter. Criteria: ICSL Variant Classification Criteria 13 December 2019. Collection method: clinical testing. Allele origin: germline.
Comment: This variant was observed in the ICSL laboratory as part of a predisposition screen in an ostensibly healthy population. It had not been previously curated by ICSL or reported in the Human Gene Mutation Database (HGMD: prior to June 1st, 2018), and was therefore a candidate for classification through an automated scoring system. Utilizing variant allele frequency, disease prevalence and penetrance estimates, and inheritance mode, an automated score was calculated to assess if this variant is too frequent to cause the disease. Based on the score and internal cut-off values, a variant classified as benign is not then subjected to further curation. The score for this variant resulted in a classification of benign for this disease.

Illumina Laboratory Services, Illumina
Classification: Benign for Atypical hemolytic-uremic syndrome with B factor anomaly. Last evaluated: 2018-01-12. Review status: criteria provided, single submitter. Criteria: ICSL Variant Classification Criteria 13 December 2019. Collection method: clinical testing. Allele origin: germline.
Comment: the same text as in the submission from Illumina Laboratory Services, Illumina above.

Genome Diagnostics Laboratory, The Hospital for Sick Children
Classification: Likely benign for Kidney disorder. Last evaluated: 2017-02-06. Review status: criteria provided, single submitter. Criteria: ACMG Guidelines, 2015. Collection method: clinical testing. Allele origin: germline.

Soonchunhyang University Bucheon Hospital, Soonchunhyang University Medical Center
Classification: Likely benign for Complement factor b deficiency. Last evaluated: 2016-03-18. Review status: criteria provided, single submitter. Criteria: ACMG Guidelines, 2015. Collection method: reference population. Allele origin: germline. Observed: 1 variant allele.

Breakthrough Genomics
Classification: Likely benign. Review status: criteria provided, single submitter. Criteria: ACMG Guidelines, 2015. Collection method: not provided. Allele origin: germline. Inheritance: Autosomal recessive inheritance. Affected: yes.

PreventionGenetics, part of Exact Sciences
Classification: Benign for CFB-related condition. Last evaluated: 2019-04-02. Review status: no assertion criteria provided. Collection method: clinical testing. Allele origin: germline. Not counted in ClinVar's aggregate classification.
Comment: This variant is classified as benign based on ACMG/AMP sequence variant interpretation guidelines (Richards et al. 2015 PMID: 25741868, with internal and published modifications).

Literature cited by the submitters: PubMed 23847193 (cited by Soonchunhyang University Bucheon Hospital, Soonchunhyang University Medical Center); PubMed 24652797 (cited by Soonchunhyang University Bucheon Hospital, Soonchunhyang University Medical Center).